The following is an entry in ClinVar:

NM_004462.5(FDFT1):c.382-3dup

Gene: FDFT1 (farnesyl-diphosphate farnesyltransferase 1). Cytogenetic location: 8p23.1.
Variant type: Duplication.
Coding change: c.382-3dup on transcript NM_004462.5 (MANE Select); 3 bases into the intron before coding-DNA position 382, one base duplicated.
Molecular consequence: intron variant.
Genome position: GRCh38 VCF-style: chr8-11821746-T-TC. GRCh37 (hg19) VCF-style: chr8-11679255-T-TC.
Other names: c.127-3dup (NM_001287751.2); c.190-3dup (NM_001287748.2, NM_001287749.2, NM_001287744.2 and 2 more transcripts); c.559-3dup (NM_001287750.2); c.382-3dup (NM_001287742.2, NM_001287743.2); c.65-4332dup (NM_001287756.2).
Identifiers: ClinVar variation 3040668 (VCV003040668.3), dbSNP rs531234425, ClinGen allele CA4631779.

ClinVar aggregate classification (germline): Uncertain significance. Review status: criteria provided, single submitter (1 of 4 stars). 2 submissions from 2 submitters: Uncertain significance (1). 1 of the submissions does not count toward it. Last evaluated 2022-05-17.

Conditions:
FDFT1-related disorder. Also called: FDFT1-related condition.
Squalene synthase deficiency. Also called: NEURODEVELOPMENTAL DISORDER WITH LOW CHOLESTEROL AND ABNORMAL URINE ORGANIC ACIDS. Identifiers: MedGen C4748427, MONDO:0032566, OMIM 618156.

Allele frequency attached by ClinVar (database versions not stated): gnomAD 0.00013; TOPMed 0.00014; ExAC 0.00016; gnomAD exomes 0.00017.

Submissions (2):

Department of Pathology and Laboratory Medicine, Sinai Health System
Classification: Uncertain significance for squalene synthase deficiency. Last evaluated: 2022-05-17. Review status: criteria provided, single submitter. Criteria: ACMG Guidelines, 2015. Collection method: research. Allele origin: germline.

PreventionGenetics, part of Exact Sciences
Classification: Likely benign for FDFT1-related condition. Last evaluated: 2019-03-28. Review status: no assertion criteria provided. Collection method: clinical testing. Allele origin: germline. Not counted in ClinVar's aggregate classification.
Comment: This variant is classified as likely benign based on ACMG/AMP sequence variant interpretation guidelines (Richards et al. 2015 PMID: 25741868, with internal and published modifications).